The following is an entry in ClinVar:

NM_001303.3(COX10):c.-109G>A

Gene: COX10 (cytochrome c oxidase assembly factor heme A:farnesyltransferase COX10; plus strand). Cytogenetic location: 17p12.
Variant type: single nucleotide variant.
Coding change: c.-109G>A on transcript NM_001303.3; 109 bases upstream of the start codon, G replaced by A.
Genome position (GRCh38, 1-based): chr17:14,069,497, G>A. VCF-style: chr17-14069497-G-A. GRCh37 (hg19) VCF-style: chr17-13972814-G-A.
Identifiers: ClinVar variation 321804 (VCV000321804.9), dbSNP rs28680987, ClinGen allele CA10638932.

ClinVar aggregate classification (germline): Benign/Likely benign. Review status: criteria provided, multiple submitters, no conflicts (2 of 4 stars). 2 submissions from 2 submitters: Benign (1); Likely benign (1). Last evaluated 2018-06-14.

Allele frequency attached by ClinVar (database versions not stated): TOPMed 0.14712; 1000 Genomes Project 0.13139; gnomAD 0.15186 and 0.15147; 1000 Genomes Project 30x 0.13179.

Submissions (2):

GeneDx
Classification: Benign. Last evaluated: 2018-06-14. Review status: criteria provided, single submitter. Criteria: GeneDx Variant Classification (06012015). Collection method: clinical testing. Allele origin: germline. Affected: yes.
Comment: This variant is considered likely benign or benign based on one or more of the following criteria: it is a conservative change, it occurs at a poorly conserved position in the protein, it is predicted to be benign by multiple in silico algorithms, and/or has population frequency not consistent with disease.

Breakthrough Genomics
Classification: Likely benign. Review status: criteria provided, single submitter. Criteria: ACMG Guidelines, 2015. Collection method: not provided. Allele origin: germline. Inheritance: Autosomal recessive inheritance. Affected: yes.